The following is an entry in ClinVar:

ClinVar aggregate classification (germline): Uncertain significance (1 of 4 stars; one submission).

Conditions:
Hereditary cancer-predisposing syndrome. Also called: Neoplastic Syndromes, Hereditary; Tumor predisposition; Hereditary Cancer Syndrome; Hereditary neoplastic syndrome. Identifiers: Orphanet 140162, MedGen C0027672, MeSH D009386, MONDO:0015356.

Submission:

Ambry Genetics
Classification: Uncertain significance for Hereditary cancer-predisposing syndrome. Last evaluated: 2026-03-20. Review status: criteria provided, single submitter. Criteria: Ambry Variant Classification Scheme 2023. Collection method: clinical testing. Allele origin: germline.
Comment: The p.R1231G variant (also known as c.3691A>G), located in coding exon 30 of the POLE gene, results from an A to G substitution at nucleotide position 3691. The arginine at codon 1231 is replaced by glycine, an amino acid with dissimilar properties. This amino acid position is highly conserved in available vertebrate species. In addition, the in silico prediction for this alteration is inconclusive. Based on the available evidence, the clinical significance of this variant remains unclear.

NM_006231.4(POLE):c.3691A>G (p.Arg1231Gly)

Gene: POLE (DNA polymerase epsilon, catalytic subunit; minus strand). Cytogenetic location: 12q24.33.
Variant type: single nucleotide variant.
Coding change: c.3691A>G on transcript NM_006231.4 (MANE Select); coding-DNA position 3691, A replaced by G.
Protein change: p.Arg1231Gly; replaces arginine 1231 with glycine.
Molecular consequence: missense variant.
Genome position (GRCh38, 1-based): chr12:132,649,781, T>C on the plus strand (A>G on the coding strand, the complement: POLE is on the minus strand). VCF-style: chr12-132649781-T-C. GRCh37 (hg19) VCF-style: chr12-133226367-T-C.
Other names: short protein forms R1231G.
Identifiers: ClinVar variation 4862226 (VCV004862226.1).
Genomic context (GRCh38, chr12:132,649,781, plus strand): 5'-AGGGCACAGTCGGCGTGAGGTCCTGGGACTCCTCCTGGCTCTCCCAAAGAACTCGCTTCC[T>C]CTTCACAGTGACAGGGGCTGCTGGGTGAGGCAGCTTTACGAGGCCGAAGTCCTCCATGTC-3'
Protein context (NP_006222.2, residues 1221-1241): PHPAAPVTVK[Arg1231Gly]KRVLWESQEE